The following is an entry in ClinVar:

ClinVar aggregate classification (germline): Benign. Review status: criteria provided, multiple submitters, no conflicts (2 of 4 stars). 3 submissions from 3 submitters: Benign (3). Last evaluated 2024-07-31.

Allele frequency attached by ClinVar (database versions not stated): gnomAD 0.05641 and 0.05902; TOPMed 0.06021; 1000 Genomes Project 0.06290; 1000 Genomes Project 30x 0.06387; gnomAD exomes 0.07332.
gnomAD v4.1: 115,207 of 1,602,640 alleles (7.2%); highest among the groups gnomAD compares: South Asian, 12%; 4,620 homozygotes.

Submissions (3):

Unidad de Genómica Garrahan, Hospital de Pediatría Garrahan
Classification: Benign. Last evaluated: 2024-07-31. Review status: criteria provided, single submitter. Criteria: ACMG Guidelines, 2015. Collection method: clinical testing. Allele origin: germline. Affected: no. Observed: 25 variant alleles.
Comment: This variant is classified as Benign based on local population frequency. This variant was detected in 27% of patients studied in a panel designed for Epileptic and Developmental Encephalopathy, Progressive Myoclonus Epilepsy and Abnormal Movements and Neurodegeneration with brain iron accumulation. Number of patients: 25. Only high quality variants are reported.

GeneDx
Classification: Benign. Last evaluated: 2018-06-26. Review status: criteria provided, single submitter. Criteria: GeneDx Variant Classification Process June 2021. Collection method: clinical testing. Allele origin: germline. Affected: yes.

Breakthrough Genomics
Classification: Benign. Review status: criteria provided, single submitter. Criteria: ACMG Guidelines, 2015. Collection method: not provided. Allele origin: germline. Inheritance: Autosomal dominant inheritance. Affected: yes.

NM_000814.6(GABRB3):c.836-70A>G

Gene: GABRB3 (gamma-aminobutyric acid type A receptor subunit beta3; minus strand). Cytogenetic location: 15q12.
Variant type: single nucleotide variant.
Coding change: c.836-70A>G on transcript NM_000814.6 (MANE Select); 70 bases into the intron before coding-DNA position 836, A replaced by G.
Molecular consequence: intron variant.
Genome position (GRCh38, 1-based): chr15:26,561,246, T>C on the plus strand (A>G on the coding strand, the complement: GABRB3 is on the minus strand). VCF-style: chr15-26561246-T-C. GRCh37 (hg19) VCF-style: chr15-26806393-T-C.
Other names: c.836-70A>G (NM_021912.5); c.581-70A>G (NM_001278631.2, NM_001191320.2); c.623-70A>G (NM_001191321.3).
Identifiers: ClinVar variation 1293430 (VCV001293430.5), dbSNP rs3751583, ClinGen allele CA268154599.